The following is an entry in ClinVar:

ClinVar aggregate classification (germline): Likely pathogenic (1 of 4 stars; one submission).

Conditions:
Choroideremia. Also called: Chorioretinal scalloped atrophy. Identifiers: Orphanet 180, MedGen C0008525, MONDO:0010557, OMIM 303100, HP:0001139.

Submission:

Molecular Vision Laboratory
Classification: Likely pathogenic for Choroideremia. Last evaluated: 2025-10-22. Review status: criteria provided, single submitter. Criteria: ACMG Guidelines, 2015. Collection method: clinical testing. Allele origin: germline. Affected: yes. Observed: 4 variant alleles. Clinical features observed: Choroideremia (HP:0001139).
Comment: PP1 strong: variant cosegregated with disease in multiple affected family members across multiple generations - five informative meioses. PM2 - absent from population databases. PP4 - highly specific clinical presentation to choroideremia (only gene implicated in the disease)

NM_000390.4(CHM):c.314+2293A>C

Gene: CHM (CHM Rab escort protein; minus strand). Cytogenetic location: Xq21.2.
Variant type: single nucleotide variant.
Coding change: c.314+2293A>C on transcript NM_000390.4 (MANE Select); 2293 bases into the intron after coding-DNA position 314, A replaced by C.
Molecular consequence: intron variant.
Genome position (GRCh38, 1-based): chrX:85,976,474, T>G on the plus strand (A>C on the coding strand, the complement: CHM is on the minus strand). VCF-style: chrX-85976474-T-G. GRCh37 (hg19) VCF-style: chrX-85231478-T-G.
Other names: c.-127+2293A>C (NM_001362519.1, NM_001362518.2); c.-131+2293A>C (NM_001362517.1, NM_001320959.1); c.314+2293A>C (NM_001145414.4).
Identifiers: ClinVar variation 4533323 (VCV004533323.1).